The following is an entry in ClinVar:

NM_015346.4(ZFYVE26):c.961A>T (p.Lys321Ter)

Gene: ZFYVE26 (zinc finger FYVE-type containing 26; minus strand). Cytogenetic location: 14q24.1.
Variant type: single nucleotide variant.
Coding change: c.961A>T on transcript NM_015346.4 (MANE Select); coding-DNA position 961, A replaced by T.
Protein change: p.Lys321Ter; replaces lysine 321 with a stop codon.
Molecular consequence: nonsense.
Genome position (GRCh38, 1-based): chr14:67,806,601, T>A on the plus strand (A>T on the coding strand, the complement: ZFYVE26 is on the minus strand). VCF-style: chr14-67806601-T-A. GRCh37 (hg19) VCF-style: chr14-68273318-T-A.
Other names: short protein forms K321*.
Identifiers: ClinVar variation 1452504 (VCV001452504.7), dbSNP rs375820273, ClinGen allele CA390160222.

ClinVar aggregate classification (germline): Pathogenic. Review status: criteria provided, multiple submitters, no conflicts (2 of 4 stars). 2 submissions from 2 submitters: Pathogenic (2). Last evaluated 2020-11-01.

Conditions:
Spastic paraplegia. Identifiers: MedGen C0037772, HP:0001258.
Hereditary spastic paraplegia 15 (SPG15). Also called: KJELLIN SYNDROME; SPASTIC PARAPLEGIA AND RETINAL DEGENERATION; SPASTIC PARAPLEGIA 15, AUTOSOMAL RECESSIVE. Identifiers: Orphanet 100996, MedGen C1849128, MONDO:0010044, OMIM 270700.

Submissions (2):

Labcorp Genetics (formerly Invitae), Labcorp
Classification: Pathogenic for Spastic paraplegia. Last evaluated: 2020-11-01. Review status: criteria provided, single submitter. Criteria: Invitae Variant Classification Sherloc (09022015). Collection method: clinical testing. Allele origin: germline.
Comment: For these reasons, this variant has been classified as Pathogenic. Algorithms developed to predict the effect of sequence changes on RNA splicing suggest that this variant may create or strengthen a splice site, but this prediction has not been confirmed by published transcriptional studies. This variant has not been reported in the literature in individuals with ZFYVE26-related conditions. This variant is not present in population databases (ExAC no frequency). This sequence change creates a premature translational stop signal (p.Lys321*) in the ZFYVE26 gene. It is expected to result in an absent or disrupted protein product. Loss-of-function variants in ZFYVE26 are known to be pathogenic (PMID: 18394578, 19805727).

Genetic Foundation of Khorasan Razavi (GFKR)
Classification: Pathogenic for Hereditary spastic paraplegia 15. Review status: criteria provided, single submitter. Criteria: ACMG Guidelines, 2015. Collection method: clinical testing. Allele origin: inherited. Affected: yes. Observed: 1 homozygote.
Comment: This variant is absent from population databases. It is predicted to result in loss of function through a truncating effect in a gene where loss of function is a well-established disease mechanism. In addition, this variant has been previously reported as pathogenic by reputable submitters, providing further support for its clinical relevance( VCV001452504.5). Taken together, these findings support a pathogenic classification according to ACMG/AMP guidelines

Literature cited by the submitters: PubMed 18394578 (cited by Labcorp Genetics (formerly Invitae), Labcorp); PubMed 19805727 (cited by Labcorp Genetics (formerly Invitae), Labcorp).